The following is an entry in ClinVar:

NM_001369.3(DNAH5):c.8750A>T (p.Tyr2917Phe)

Gene: DNAH5 (dynein axonemal heavy chain 5; minus strand). Cytogenetic location: 5p15.2.
Variant type: single nucleotide variant.
Coding change: c.8750A>T on transcript NM_001369.3 (MANE Select); coding-DNA position 8750, A replaced by T.
Protein change: p.Tyr2917Phe; replaces tyrosine 2917 with phenylalanine.
Molecular consequence: missense variant.
Genome position (GRCh38, 1-based): chr5:13,786,249, T>A on the plus strand (A>T on the coding strand, the complement: DNAH5 is on the minus strand). VCF-style: chr5-13786249-T-A. GRCh37 (hg19) VCF-style: chr5-13786358-T-A.
Other names: short protein forms Y2917F.
Identifiers: ClinVar variation 1764538 (VCV001764538.2), dbSNP rs768141871, ClinGen allele CA359215225.

ClinVar aggregate classification (germline): Uncertain significance (1 of 4 stars; one submission).

Conditions:
Primary ciliary dyskinesia. Also called: Ciliary dyskinesia. Identifiers: Orphanet 244, MedGen C0008780, MONDO:0016575, HP:0012265.

Submission:

Ambry Genetics
Classification: Uncertain significance for Primary ciliary dyskinesia. Last evaluated: 2022-07-10. Review status: criteria provided, single submitter. Criteria: Ambry Variant Classification Scheme 2023. Collection method: clinical testing. Allele origin: germline.
Comment: The p.Y2917F variant (also known as c.8750A>T), located in coding exon 52 of the DNAH5 gene, results from an A to T substitution at nucleotide position 8750. The tyrosine at codon 2917 is replaced by phenylalanine, an amino acid with highly similar properties. This amino acid position is conserved. In addition, this alteration is predicted to be tolerated by in silico analysis. Since supporting evidence is limited at this time, the clinical significance of this alteration remains unclear.